The following is an entry in ClinVar:

NM_000371.4(TTR):c.184G>A (p.Glu62Lys)

Gene: TTR (transthyretin; plus strand). Cytogenetic location: 18q12.1.
Variant type: single nucleotide variant.
Coding change: c.184G>A on transcript NM_000371.4 (MANE Select); coding-DNA position 184, G replaced by A.
Protein change: p.Glu62Lys; replaces glutamic acid 62 with lysine.
Molecular consequence: missense variant.
Genome position (GRCh38, 1-based): chr18:31,593,010, G>A. VCF-style: chr18-31593010-G-A. GRCh37 (hg19) VCF-style: chr18-29172973-G-A.
Other names: short protein forms E62K.
Identifiers: ClinVar variation 1807339 (VCV001807339.6), dbSNP rs2510932411, ClinGen allele CA402156856.

ClinVar aggregate classification (germline): Uncertain significance. Review status: criteria provided, multiple submitters, no conflicts (2 of 4 stars). 2 submissions from 2 submitters: Uncertain significance (2). Last evaluated 2024-10-16.

Conditions:
Amyloidosis, hereditary systemic 1 (AMYLD1). Also called: Hereditary oculoleptomeningeal amyloid angiopathy; Familial Transthyretin Amyloidosis; Hereditary Transthyretin Amyloidosis; Isolated Cardiac Amyloidosis; Amyloid Cardiomyopathy, Transthyretin-related; Familial amyloid polyneuropathy. Identifiers: Orphanet 85447, Orphanet 85451, MedGen C2751492, MONDO:0971004, OMIM 105210.

Allele frequency attached by ClinVar (database versions not stated): gnomAD exomes below 0.00001.
gnomAD v4.1: 1 of 1,614,024 alleles (0.000062%); highest among the groups gnomAD compares: Non-Finnish European, 0.000085%; no homozygotes.

Submissions (2):

Labcorp Genetics (formerly Invitae), Labcorp
Classification: Uncertain significance for Amyloidosis, hereditary systemic 1. Last evaluated: 2024-10-16. Review status: criteria provided, single submitter. Criteria: Invitae Variant Classification Sherloc (09022015). Collection method: clinical testing. Allele origin: germline.
Comment: This sequence change replaces glutamic acid, which is acidic and polar, with lysine, which is basic and polar, at codon 62 of the TTR protein (p.Glu62Lys). This variant is not present in population databases (gnomAD no frequency). This variant has not been reported in the literature in individuals affected with TTR-related conditions. ClinVar contains an entry for this variant (Variation ID: 1807339). Invitae Evidence Modeling of protein sequence and biophysical properties (such as structural, functional, and spatial information, amino acid conservation, physicochemical variation, residue mobility, and thermodynamic stability) has been performed for this missense variant. However, the output from this modeling did not meet the statistical confidence thresholds required to predict the impact of this variant on TTR protein function. This variant disrupts the p.Glu62 amino acid residue in TTR. Other variant(s) that disrupt this residue have been determined to be pathogenic (PMID: 10036587; internal data). This suggests that this residue is clinically significant, and that variants that disrupt this residue are likely to be disease-causing. In summary, the available evidence is currently insufficient to determine the role of this variant in disease. Therefore, it has been classified as a Variant of Uncertain Significance.

Athena Diagnostics
Classification: Uncertain significance. Last evaluated: 2021-10-26. Review status: criteria provided, single submitter. Criteria: Athena Diagnostics Criteria. Collection method: clinical testing. Allele origin: unknown.

Literature cited by the submitters: PubMed 10036587 (cited by Labcorp Genetics (formerly Invitae), Labcorp).